The following is an entry in ClinVar:

NM_170707.4(LMNA):c.1157+3G>A

Gene: LMNA (lamin A/C; plus strand). Cytogenetic location: 1q22.
Variant type: single nucleotide variant.
Coding change: c.1157+3G>A on transcript NM_170707.4 (MANE Select); 3 bases into the intron after coding-DNA position 1157, G replaced by A.
Molecular consequence: intron variant.
Genome position (GRCh38, 1-based): chr1:156,136,124, G>A. VCF-style: chr1-156136124-G-A. GRCh37 (hg19) VCF-style: chr1-156105915-G-A.
Other names: c.1157+3G>A (NM_001282625.2, NM_001282626.2, NM_170708.4 and 2 more transcripts); c.821+3G>A (NM_001257374.3); c.914+3G>A (NM_001282624.2).
Identifiers: ClinVar variation 2433476 (VCV002433476.7), dbSNP rs759657247, ClinGen allele CA049114.
Genomic context (GRCh38, chr1:156,136,124, plus strand): 5'-TGGCCCTGGACATGGAGATCCACGCCTACCGCAAGCTCTTGGAGGGCGAGGAGGAGAGGT[G>A]GGCTGGGGAGACGTCGGGGAGGTGCTGGCAGTGTCCTCTGGCCGGCAACTGGCCTTGACT-3'

ClinVar aggregate classification (germline): Uncertain significance. Review status: criteria provided, multiple submitters, no conflicts (2 of 4 stars). 3 submissions from 3 submitters: Uncertain significance (3). Last evaluated 2024-04-12.

Conditions:
Charcot-Marie-Tooth disease type 2. Also called: Charcot-Marie-Tooth type 2. Identifiers: Orphanet 64746, MedGen C0270914, MONDO:0018993.
Cardiovascular phenotype. Identifiers: MedGen CN230736.

Allele frequency attached by ClinVar (database versions not stated): gnomAD exomes 0.00001; ExAC 0.00005.
gnomAD v4.1: 15 of 1,613,976 alleles (0.00093%); highest among the groups gnomAD compares: South Asian, 0.016%; no homozygotes.

Submissions (3):

Ambry Genetics
Classification: Uncertain significance for Cardiovascular phenotype. Last evaluated: 2024-04-12. Review status: criteria provided, single submitter. Criteria: Ambry Variant Classification Scheme 2023. Collection method: clinical testing. Allele origin: germline.
Comment: The c.1157+3G>A intronic variant results from a G to A substitution 3 nucleotides after coding exon 6 in the LMNA gene. This nucleotide position is well conserved in available vertebrate species. In silico splice site analysis predicts that this alteration will not have any significant effect on splicing. Based on the available evidence, the clinical significance of this variant remains unclear.

Labcorp Genetics (formerly Invitae), Labcorp
Classification: Uncertain significance for Charcot-Marie-Tooth disease type 2. Last evaluated: 2023-05-24. Review status: criteria provided, single submitter. Criteria: Invitae Variant Classification Sherloc (09022015). Collection method: clinical testing. Allele origin: germline.
Comment: In summary, the available evidence is currently insufficient to determine the role of this variant in disease. Therefore, it has been classified as a Variant of Uncertain Significance. This variant has not been reported in the literature in individuals affected with LMNA-related conditions. ClinVar contains an entry for this variant (Variation ID: 2433476). Variants that disrupt the consensus splice site are a relatively common cause of aberrant splicing (PMID: 17576681, 9536098). Algorithms developed to predict the effect of sequence changes on RNA splicing suggest that this variant is not likely to affect RNA splicing. This sequence change falls in intron 6 of the LMNA gene. It does not directly change the encoded amino acid sequence of the LMNA protein. It affects a nucleotide within the consensus splice site. This variant is present in population databases (rs759657247, gnomAD 0.02%).

Revvity Omics, Revvity
Classification: Uncertain significance. Last evaluated: 2020-10-01. Review status: criteria provided, single submitter. Criteria: ACMG Guidelines, 2015. Collection method: clinical testing. Allele origin: germline.

Literature cited by the submitters: PubMed 17576681 (cited by Labcorp Genetics (formerly Invitae), Labcorp); PubMed 9536098 (cited by Labcorp Genetics (formerly Invitae), Labcorp).